The following is an entry in ClinVar:

NM_001365902.3(NFIX):c.247_270del (p.Ile83_Asp90del)

Gene: NFIX (nuclear factor I X; plus strand). Cytogenetic location: 19p13.13.
Variant type: Deletion.
Coding change: c.247_270del on transcript NM_001365902.3 (MANE Select); coding-DNA positions 247 to 270, 24 bases deleted (ATCCGGCCCGAGTTCCGCGAGGAC).
Protein change: p.Ile83_Asp90del.
Molecular consequence: inframe deletion.
Genome position (GRCh38, 1-based): chr19:13,025,240-13,025,263, ATCCGGCCCGAGTTCCGCGAGGAC deleted; deleting any 24 consecutive bases within chr19:13,025,235-13,025,263 gives the same sequence; the c. name uses the placement nearest the transcript's 3' end. VCF-style (leftmost placement, unchanged base first): chr19-13025234-AAGGACATCCGGCCCGAGTTCCGCG-A. GRCh37 (hg19) VCF-style: chr19-13136048-AAGGACATCCGGCCCGAGTTCCGCG-A.
Other names: c.271_294del, p.Ile91_Asp98del (NM_001271043.2); c.223_246del, p.Ile75_Asp82del (NM_001271044.3, NM_001378404.1); c.247_270del, p.Ile83_Asp90del (NM_001365982.2, NM_002501.4); c.106_129del, p.Ile36_Asp43del (NM_001365983.2); c.244_267del, p.Ile82_Asp89del (NM_001365984.2, NM_001365985.2); c.295_318del, p.Ile99_Asp106del (NM_001378405.1).
Identifiers: ClinVar variation 1320243 (VCV001320243.1), dbSNP rs2145192041, ClinGen allele CA2573054718.
Genomic context (GRCh38, chr19:13,025,234, plus strand): 5'-CTGGGCGAGAAGCCCGAGATCAAGCAGAAGTGGGCATCCCGGCTGCTGGCCAAGCTGCGC[AAGGACATCCGGCCCGAGTTCCGCG>A]AGGACTTCGTGCTGACCATCACGGGCAAGAAGCCCCCCTGCTGCGTGCTCTCCAACCCCG-3'

ClinVar aggregate classification (germline): Likely pathogenic (1 of 4 stars; one submission).

Conditions:
Marshall-Smith syndrome (MRSHSS). Identifiers: Orphanet 561, MedGen C0265211, MONDO:0011244, OMIM 602535.

Submission:

3billion
Classification: Likely pathogenic for Marshall-Smith syndrome. Last evaluated: 2021-10-02. Review status: criteria provided, single submitter. Criteria: ACMG Guidelines, 2015. Collection method: clinical testing. Allele origin: germline. Affected: yes. Observed: 1 heterozygote.
Comment: Inframe deletion located in a nonrepeat region: predicted to change the length of the protein and disrupt normal protein function (PM4). The inframe deletion variant is located in a mutational hot spot and/or well-established functional domain in which established pathogenic variants have been reported (PM1). It is not observed in the gnomAD v2.1.1 dataset (PM2). The variant was observed as assumed (i.e. paternity and maternity not confirmed) de novoo (3billion dataset, PM6). Therefore, this variant is classified as likely pathogenic according to the recommendation of ACMG/AMP guideline.